The following is an entry in ClinVar:

ClinVar aggregate classification (germline): Uncertain significance (1 of 4 stars; one submission).

Submission:

Labcorp Genetics (formerly Invitae), Labcorp
Classification: Uncertain significance. Last evaluated: 2025-06-07. Review status: criteria provided, single submitter. Criteria: Invitae Variant Classification Sherloc (09022015). Collection method: clinical testing. Allele origin: germline.
Comment: This sequence change replaces alanine, which is neutral and non-polar, with threonine, which is neutral and polar, at codon 1533 of the COL11A2 protein (p.Ala1533Thr). This variant is not present in population databases (gnomAD no frequency). This variant has not been reported in the literature in individuals affected with COL11A2-related conditions. Invitae Evidence Modeling of protein sequence and biophysical properties (such as structural, functional, and spatial information, amino acid conservation, physicochemical variation, residue mobility, and thermodynamic stability) indicates that this missense variant is not expected to disrupt COL11A2 protein function with a negative predictive value of 95%. In summary, the available evidence is currently insufficient to determine the role of this variant in disease. Therefore, it has been classified as a Variant of Uncertain Significance.

NM_080680.3(COL11A2):c.4597G>A (p.Ala1533Thr)

Gene: COL11A2 (collagen type XI alpha 2 chain; minus strand). Cytogenetic location: 6p21.32.
Variant type: single nucleotide variant.
Coding change: c.4597G>A on transcript NM_080680.3 (MANE Select); coding-DNA position 4597, G replaced by A.
Protein change: p.Ala1533Thr; replaces alanine 1533 with threonine.
Molecular consequence: missense variant.
Genome position (GRCh38, 1-based): chr6:33,165,702, C>T on the plus strand (G>A on the coding strand, the complement: COL11A2 is on the minus strand). VCF-style: chr6-33165702-C-T. GRCh37 (hg19) VCF-style: chr6-33133479-C-T.
Other names: c.4417G>A, p.Ala1473Thr (NM_001424108.1); c.3751G>A, p.Ala1251Thr (NM_001424109.1); c.3571G>A, p.Ala1191Thr (NM_001424110.1, NM_001424111.1); c.2551G>A, p.Ala851Thr (NM_001424112.1); c.4276G>A, p.Ala1426Thr (NM_080679.3); c.4339G>A, p.Ala1447Thr (NM_080681.3); short protein forms A1191T, A1251T, A1426T, A1447T, A1473T, A1533T, A851T.
Identifiers: ClinVar variation 4797341 (VCV004797341.1).